The following is an entry in ClinVar:

ClinVar aggregate classification (germline): Uncertain significance (1 of 4 stars; one submission).

Submission:

Ambry Genetics
Classification: Uncertain significance. Last evaluated: 2026-03-16. Review status: criteria provided, single submitter. Criteria: Ambry Variant Classification Scheme 2023. Collection method: clinical testing. Allele origin: germline.
Comment: The p.S231A variant (also known as c.691T>G), located in coding exon 1 of the CDK12 gene, results from a T to G substitution at nucleotide position 691. The serine at codon 231 is replaced by alanine, an amino acid with similar properties. This amino acid position is conserved. In addition, this alteration is predicted to be tolerated by in silico analysis. Based on the available evidence, the clinical significance of this variant remains unclear.

NM_016507.4(CDK12):c.691T>G (p.Ser231Ala)

Genes: CDK12 (cyclin dependent kinase 12; plus strand), LOC126862553 (CDK7 strongly-dependent group 2 enhancer GRCh37_chr17:37618166-37619365; plus strand). Cytogenetic location: 17q12.
Variant type: single nucleotide variant.
Coding change: c.691T>G on transcript NM_016507.4 (MANE Select); coding-DNA position 691, T replaced by G.
Protein change: p.Ser231Ala; replaces serine 231 with alanine.
Molecular consequence: missense variant.
Genome position (GRCh38, 1-based): chr17:39,462,762, T>G. VCF-style: chr17-39462762-T-G. GRCh37 (hg19) VCF-style: chr17-37619015-T-G.
Other names: c.691T>G, p.Ser231Ala (NM_015083.4); short protein forms S231A.
Identifiers: ClinVar variation 4868446 (VCV004868446.1).